The following is an entry in ClinVar:

NM_000233.4(LHCGR):c.2084G>A (p.Arg695His)

Genes: LHCGR (luteinizing hormone/choriogonadotropin receptor; minus strand), STON1-GTF2A1L (STON1-GTF2A1L readthrough; plus strand). Cytogenetic location: 2p16.3.
Variant type: single nucleotide variant.
Coding change: c.2084G>A on transcript NM_000233.4 (MANE Select); coding-DNA position 2084, G replaced by A.
Protein change: p.Arg695His; replaces arginine 695 with histidine.
Molecular consequence: missense variant. On other transcripts: intron variant (1).
Genome position (GRCh38, 1-based): chr2:48,687,713, C>T on the plus strand (G>A on the coding strand, the complement: LHCGR is on the minus strand). VCF-style: chr2-48687713-C-T. GRCh37 (hg19) VCF-style: chr2-48914852-C-T.
Other names: c.3441+16033C>T (NM_001198593.2); short protein forms R695H.
Identifiers: ClinVar variation 3290591 (VCV003290591.2).

ClinVar aggregate classification (germline): Uncertain significance. Review status: criteria provided, multiple submitters, no conflicts (2 of 4 stars). 2 submissions from 2 submitters: Uncertain significance (2). Last evaluated 2024-07-31.

Conditions:
Inborn genetic diseases. Identifiers: MedGen C0950123, MeSH D030342.

gnomAD v4.1: 15 of 1,613,354 alleles (0.00093%); highest among the groups gnomAD compares: East Asian, 0.013%; no homozygotes.

Submissions (2):

GeneDx
Classification: Uncertain significance. Last evaluated: 2024-07-31. Review status: criteria provided, single submitter. Criteria: GeneDx Variant Classification Process June 2021. Collection method: clinical testing. Allele origin: germline. Affected: yes.
Comment: In silico analysis indicates that this missense variant does not alter protein structure/function; Has not been previously published as pathogenic or benign to our knowledge

Ambry Genetics
Classification: Uncertain significance for Inborn genetic diseases. Last evaluated: 2024-03-25. Review status: criteria provided, single submitter. Criteria: Ambry Variant Classification Scheme 2023. Collection method: clinical testing. Allele origin: germline.